The following is an entry in ClinVar:

ClinVar aggregate classification (germline): Pathogenic. Review status: criteria provided, multiple submitters, no conflicts (2 of 4 stars). 4 submissions from 4 submitters: Pathogenic (4). Last evaluated 2026-04-28.

Conditions:
CDHR1-related disorder. Also called: CDHR1-related condition.
Cone-rod dystrophy 15 (CORD15). Identifiers: MedGen C3150912, MONDO:0013348, OMIM 613660.
CDHR1-related disorders.

Allele frequency attached by ClinVar (database versions not stated): TOPMed 0.00001; gnomAD 0.00006.
gnomAD v4.1: 18 of 1,614,010 alleles (0.0011%); highest among the groups gnomAD compares: Admixed American, 0.018%; no homozygotes.

Submissions (4):

PreventionGenetics, part of Exact Sciences
Classification: Pathogenic for CDHR1-related condition. Last evaluated: 2026-04-28. Review status: criteria provided, single submitter. Criteria: ACMG Guidelines, 2015. Collection method: clinical testing. Allele origin: germline.
Comment: The CDHR1 c.1485+2T>C variant is predicted to disrupt the GT donor site and interfere with normal splicing. This variant has been reported in the homozygous state in affected members of a consanguineous family with retinal dystrophy (Nikopoulos et al. 2015. PubMed ID: 26350383), and in the compound heterozygous state in an individual from a cohort study of retinal disease (Riera et al. 2017. PubMed ID: 28181551). This variant is present in 0.033% of alleles within the 'other' subpopulation in gnomAD. Variants that disrupt the consensus splice donor site in CDHR1 are an established mechanism of disease. This variant is interpreted as pathogenic.

Labcorp Genetics (formerly Invitae), Labcorp
Classification: Pathogenic. Last evaluated: 2025-06-06. Review status: criteria provided, single submitter. Criteria: Invitae Variant Classification Sherloc (09022015). Collection method: clinical testing. Allele origin: germline.
Comment: This sequence change affects a donor splice site in intron 13 of the CDHR1 gene. It is expected to disrupt RNA splicing. Variants that disrupt the donor or acceptor splice site typically lead to a loss of protein function (PMID: 16199547), and loss-of-function variants in CDHR1 are known to be pathogenic (PMID: 23044944, 23591405, 26103963, 26261414). This variant is present in population databases (rs767366723, gnomAD 0.003%). Disruption of this splice site has been observed in individuals with autosomal recessive retinal dystrophy (PMID: 23233793, 26350383). It has also been observed to segregate with disease in related individuals. ClinVar contains an entry for this variant (Variation ID: 847679). Algorithms developed to predict the effect of sequence changes on RNA splicing suggest that this variant may disrupt the consensus splice site. For these reasons, this variant has been classified as Pathogenic.

Blueprint Genetics
Classification: Pathogenic for CDHR1-related disorders. Last evaluated: 2024-09-06. Review status: criteria provided, single submitter. Criteria: ACMG Guidelines, 2015. Collection method: clinical testing. Allele origin: germline. Affected: yes. Observed: 5 variant alleles.

Clinical Genetics Service, Universitary Hospital 12 de Octubre
Classification: Pathogenic for Cone-rod dystrophy 15. Review status: criteria provided, single submitter. Criteria: ACMG Guidelines, 2015. Collection method: clinical testing. Allele origin: germline. Affected: yes.

Literature cited by the submitters: PubMed 16199547 (cited by Labcorp Genetics (formerly Invitae), Labcorp); PubMed 23044944 (cited by Labcorp Genetics (formerly Invitae), Labcorp); PubMed 23591405 (cited by Labcorp Genetics (formerly Invitae), Labcorp); PubMed 26103963 (cited by Labcorp Genetics (formerly Invitae), Labcorp); PubMed 26261414 (cited by Labcorp Genetics (formerly Invitae), Labcorp); PubMed 23233793 (cited by Labcorp Genetics (formerly Invitae), Labcorp); PubMed 26350383 (cited by Labcorp Genetics (formerly Invitae), Labcorp).

NM_033100.4(CDHR1):c.1485+2T>C

Gene: CDHR1 (cadherin related family member 1; plus strand). Cytogenetic location: 10q23.1.
Variant type: single nucleotide variant.
Coding change: c.1485+2T>C on transcript NM_033100.4 (MANE Select); the canonical splice donor site of the intron after coding-DNA position 1485, T replaced by C.
Molecular consequence: splice donor variant.
Genome position (GRCh38, 1-based): chr10:84,211,167, T>C. VCF-style: chr10-84211167-T-C. GRCh37 (hg19) VCF-style: chr10-85970923-T-C.
Other names: c.1485+2T>C (NM_001171971.3).
Identifiers: ClinVar variation 847679 (VCV000847679.12), dbSNP rs767366723, ClinGen allele CA210386500.